The following is an entry in ClinVar:

ClinVar aggregate classification (germline): Uncertain significance (1 of 4 stars; one submission).

Conditions:
Neurodevelopmental disorder with epilepsy and hemochromatosis (NEDEPH). Identifiers: MedGen CN307964, OMIM 301072.
Multiple congenital anomalies-hypotonia-seizures syndrome 2 (MCAHS2). Also called: EPILEPTIC ENCEPHALOPATHY, EARLY INFANTILE, 20; GLYCOSYLPHOSPHATIDYLINOSITOL BIOSYNTHESIS DEFECT 4. Identifiers: Orphanet 300496, MedGen C3275508, MONDO:0010466, OMIM 300868.
Paroxysmal nocturnal hemoglobinuria 1 (PNH1). Identifiers: Orphanet 447, MedGen C3806670, MONDO:0010438, OMIM 300818.

Submission:

Juno Genomics, Hangzhou Juno Genomics, Inc
Classification: Uncertain significance for Multiple congenital anomalies-hypotonia-seizures syndrome 2; Neurodevelopmental disorder with epilepsy and hemochromatosis; Paroxysmal nocturnal hemoglobinuria 1. Review status: criteria provided, single submitter. Criteria: ACMG Guidelines, 2015. Collection method: clinical testing. Allele origin: germline.
Comment: Absent from controls (or at extremely low frequency if recessive) in Genome Aggregation Database.

NM_002641.4(PIGA):c.1079A>G (p.Glu360Gly)

Gene: PIGA (phosphatidylinositol glycan anchor biosynthesis class A; minus strand). Cytogenetic location: Xp22.2.
Variant type: single nucleotide variant.
Coding change: c.1079A>G on transcript NM_002641.4 (MANE Select); coding-DNA position 1079, A replaced by G.
Protein change: p.Glu360Gly; replaces glutamic acid 360 with glycine.
Molecular consequence: missense variant. On other transcripts: non-coding transcript variant (4).
Genome position (GRCh38, 1-based): chrX:15,324,774, T>C on the plus strand (A>G on the coding strand, the complement: PIGA is on the minus strand). VCF-style: chrX-15324774-T-C. GRCh37 (hg19) VCF-style: chrX-15342896-T-C.
Other names: c.1172A>G, p.Glu391Gly (NM_001440789.1); c.470A>G, p.Glu157Gly (NM_001440790.1); c.377A>G, p.Glu126Gly (NM_020473.3); short protein forms E360G, E126G, E391G, E157G.
Identifiers: ClinVar variation 5007516 (VCV005007516.2).